The following is an entry in ClinVar:

ClinVar aggregate classification (germline): Benign/Likely benign. Review status: criteria provided, multiple submitters, no conflicts (2 of 4 stars). 3 submissions from 3 submitters: Benign (1); Likely benign (1). 1 of the submissions does not count toward it. Last evaluated 2025-11-01.

Conditions:
ACVR2B-related disorder. Also called: ACVR2B-related condition.
Heterotaxy, visceral, 4, autosomal (HTX4). Identifiers: Orphanet 450, MedGen C3151057, MONDO:0013403, OMIM 613751.

Allele frequency attached by ClinVar (database versions not stated): gnomAD exomes 0.00008 and 0.00019; ExAC 0.00022; TOPMed 0.00058; gnomAD 0.00063; ESP Exome Variant Server 0.00077; 1000 Genomes Project 0.00160; 1000 Genomes Project 30x 0.00187.
gnomAD v4.1: 220 of 1,613,354 alleles (0.014%); highest among the groups gnomAD compares: African/African-American, 0.28%; no homozygotes.

Submissions (3):

CeGaT Center for Human Genetics Tuebingen
Classification: Likely benign. Last evaluated: 2025-11-01. Review status: criteria provided, single submitter. Criteria: CeGaT Center For Human Genetics Tuebingen Variant Classification Criteria Version 2. Collection method: clinical testing. Allele origin: germline. Affected: yes. Observed: 1 variant allele.
Comment: ACVR2B: BP4, BP7

Labcorp Genetics (formerly Invitae), Labcorp
Classification: Benign for Heterotaxy, visceral, 4, autosomal. Last evaluated: 2025-06-24. Review status: criteria provided, single submitter. Criteria: Invitae Variant Classification Sherloc (09022015). Collection method: clinical testing. Allele origin: germline.

PreventionGenetics, part of Exact Sciences
Classification: Likely benign for ACVR2B-related condition. Last evaluated: 2024-05-19. Review status: no assertion criteria provided. Collection method: clinical testing. Allele origin: germline. Not counted in ClinVar's aggregate classification.
Comment: This variant is classified as likely benign based on ACMG/AMP sequence variant interpretation guidelines (Richards et al. 2015 PMID: 25741868, with internal and published modifications).

NM_001106.4(ACVR2B):c.1140C>T (p.Ala380=)

Gene: ACVR2B (activin A receptor type 2B; plus strand). Cytogenetic location: 3p22.2.
Variant type: single nucleotide variant.
Coding change: c.1140C>T on transcript NM_001106.4 (MANE Select); coding-DNA position 1140, C replaced by T.
Protein change: p.Ala380=; no amino-acid change (alanine 380 retained).
Molecular consequence: synonymous variant.
Genome position (GRCh38, 1-based): chr3:38,482,263, C>T. VCF-style: chr3-38482263-C-T. GRCh37 (hg19) VCF-style: chr3-38523754-C-T.
Identifiers: ClinVar variation 695959 (VCV000695959.18), dbSNP rs149695736, ClinGen allele CA2318998.